The following is an entry in ClinVar:

ClinVar aggregate classification (germline): Pathogenic (1 of 4 stars; one submission).

Conditions:
Cardiovascular phenotype. Identifiers: MedGen CN230736.

Submission:

Ambry Genetics
Classification: Pathogenic for Cardiovascular phenotype. Last evaluated: 2023-10-20. Review status: criteria provided, single submitter. Criteria: Ambry Variant Classification Scheme 2023. Collection method: clinical testing. Allele origin: germline.
Comment: The c.2445_2446insGGTA (p.Y816Gfs*18) alteration, located in exon 25 (coding exon 25) of the MYBPC3 gene, consists of an insertion of GGTA at position 2445, causing a translational frameshift with a predicted alternate stop codon after 18 amino acids. This alteration is expected to result in loss of function by premature protein truncation or nonsense-mediated mRNA decay. This variant was not reported in population-based cohorts in the Genome Aggregation Database (gnomAD). Based on the available evidence, this alteration is classified as pathogenic.

NM_000256.3(MYBPC3):c.2445_2446insGGTA (p.Tyr816fs)

Gene: MYBPC3 (myosin binding protein C3; minus strand). Cytogenetic location: 11p11.2.
Variant type: Insertion.
Coding change: c.2445_2446insGGTA on transcript NM_000256.3 (MANE Select); coding-DNA positions 2445 to 2446, GGTA inserted.
Protein change: p.Tyr816fs; shifts the reading frame from tyrosine 816.
Molecular consequence: frameshift variant.
Genome position: GRCh38 VCF-style: chr11-47337547-A-ATACC. GRCh37 (hg19) VCF-style: chr11-47359098-A-ATACC.
Other names: short protein forms Y816fs.
Identifiers: ClinVar variation 3154160 (VCV003154160.1), dbSNP rs2495749850, ClinGen allele CA2825002009.